The following is an entry in ClinVar:

ClinVar aggregate classification (germline): Benign. Review status: criteria provided, multiple submitters, no conflicts (2 of 4 stars). 3 submissions from 3 submitters: Benign (3). Last evaluated 2026-02-03.

Allele frequency attached by ClinVar (database versions not stated): ESP Exome Variant Server 0.02668; gnomAD 0.03418 and 0.03807; TOPMed 0.03783; gnomAD exomes 0.04181 and 0.05789; ExAC 0.05855; 1000 Genomes Project 30x 0.07448; 1000 Genomes Project 0.07887.

Submissions (3):

Labcorp Genetics (formerly Invitae), Labcorp
Classification: Benign. Last evaluated: 2026-02-03. Review status: criteria provided, single submitter. Criteria: Invitae Variant Classification Sherloc (09022015). Collection method: clinical testing. Allele origin: germline.

Laboratory for Molecular Medicine, Mass General Brigham Personalized Medicine
Classification: Benign. Last evaluated: 2016-03-28. Review status: criteria provided, single submitter. Criteria: LMM Criteria. Collection method: clinical testing. Allele origin: germline.
Comment: Variant identified in a genome or exome case(s) and assessed due to predicted null impact of the variant or pathogenic assertions in the literature or databases. Disclaimer: This variant has not undergone full assessment. The following are preliminary notes: Frequency

Breakthrough Genomics
Classification: Benign. Review status: criteria provided, single submitter. Criteria: ACMG Guidelines, 2015. Collection method: not provided. Allele origin: germline. Inheritance: Autosomal recessive inheritance. Affected: yes.

NM_002497.4(NEK2):c.765+14G>T

Gene: NEK2 (NIMA related kinase 2; minus strand). Cytogenetic location: 1q32.3.
Variant type: single nucleotide variant.
Coding change: c.765+14G>T on transcript NM_002497.4 (MANE Select); 14 bases into the intron after coding-DNA position 765, G replaced by T.
Molecular consequence: intron variant.
Genome position (GRCh38, 1-based): chr1:211,670,267, C>A on the plus strand (G>T on the coding strand, the complement: NEK2 is on the minus strand). VCF-style: chr1-211670267-C-A. GRCh37 (hg19) VCF-style: chr1-211843609-C-A.
Other names: c.765+14G>T (NM_001204182.2, NM_001204183.2).
Identifiers: ClinVar variation 403227 (VCV000403227.15), dbSNP rs2289725, ClinGen allele CA1381602.